The following is an entry in ClinVar:

NM_020949.3(SLC7A14):c.1533C>A (p.Tyr511Ter)

Genes: SLC7A14 (solute carrier family 7 member 14; minus strand), SLC7A14-AS1 (SLC7A14 antisense RNA 1; plus strand). Cytogenetic location: 3q26.2.
Variant type: single nucleotide variant.
Coding change: c.1533C>A on transcript NM_020949.3 (MANE Select); coding-DNA position 1533, C replaced by A.
Protein change: p.Tyr511Ter; replaces tyrosine 511 with a stop codon.
Molecular consequence: nonsense.
Genome position (GRCh38, 1-based): chr3:170,480,749, G>T on the plus strand (C>A on the coding strand, the complement: SLC7A14 is on the minus strand). VCF-style: chr3-170480749-G-T. GRCh37 (hg19) VCF-style: chr3-170198538-G-T.
Other names: short protein forms Y511*.
Identifiers: ClinVar variation 1515572 (VCV001515572.5), dbSNP rs114286278, ClinGen allele CA2701613.

ClinVar aggregate classification (germline): Uncertain significance (1 of 4 stars; one submission).

gnomAD v4.1: 5 of 1,614,196 alleles (0.00031%); highest among the groups gnomAD compares: Admixed American, 0.005%; no homozygotes.

Submission:

Labcorp Genetics (formerly Invitae), Labcorp
Classification: Uncertain significance. Last evaluated: 2025-10-01. Review status: criteria provided, single submitter. Criteria: Invitae Variant Classification Sherloc (09022015). Collection method: clinical testing. Allele origin: germline.
Comment: This sequence change creates a premature translational stop signal (p.Tyr511*) in the SLC7A14 gene. It is expected to result in an absent or disrupted protein product. However, the current clinical and genetic evidence is not sufficient to establish whether loss-of-function variants in SLC7A14 cause disease. This variant is present in population databases (rs114286278, gnomAD 0.009%). This variant has not been reported in the literature in individuals affected with SLC7A14-related conditions. ClinVar contains an entry for this variant (Variation ID: 1515572). In summary, the available evidence is currently insufficient to determine the role of this variant in disease. Therefore, it has been classified as a Variant of Uncertain Significance.